The following is an entry in ClinVar:

ClinVar aggregate classification (germline): Uncertain significance (1 of 4 stars; one submission).

Submission:

Labcorp Genetics (formerly Invitae), Labcorp
Classification: Uncertain significance. Last evaluated: 2025-04-21. Review status: criteria provided, single submitter. Criteria: Invitae Variant Classification Sherloc (09022015). Collection method: clinical testing. Allele origin: germline.
Comment: This sequence change creates a premature translational stop signal (p.Thr44Hisfs*95) in the CAPN5 gene. It is expected to result in an absent or disrupted protein product. However, the current clinical and genetic evidence is not sufficient to establish whether loss-of-function variants in CAPN5 cause disease. This variant is present in population databases (no rsID available, gnomAD 0.006%). This variant has not been reported in the literature in individuals affected with CAPN5-related conditions. ClinVar contains an entry for this variant (Variation ID: 1514959). In summary, the available evidence is currently insufficient to determine the role of this variant in disease. Therefore, it has been classified as a Variant of Uncertain Significance.

NM_004055.5(CAPN5):c.125dup (p.Thr44fs)

Gene: CAPN5 (calpain 5; plus strand). Cytogenetic location: 11q13.5.
Variant type: Duplication.
Coding change: c.125dup on transcript NM_004055.5 (MANE Select); coding-DNA position 125, one base duplicated (A; older notation c.125dupA).
Protein change: p.Thr44fs; shifts the reading frame from threonine 44.
Molecular consequence: frameshift variant.
Genome position (GRCh38, 1-based): chr11:77,085,011, A duplicated; the last of 2 consecutive A bases (chr11:77,085,010-77,085,011); duplicating either gives the same sequence. VCF-style (leftmost placement, unchanged base first): chr11-77085009-T-TA. GRCh37 (hg19) VCF-style: chr11-76796055-T-TA.
Other names: short protein forms T44fs.
Identifiers: ClinVar variation 1514959 (VCV001514959.6), dbSNP rs1565259840, ClinGen allele CA600334682.